The following is an entry in ClinVar:

ClinVar aggregate classification (germline): Pathogenic. Review status: reviewed by expert panel (3 of 4 stars). 6 submissions from 6 submitters: Pathogenic (1). 5 of the submissions do not count toward it. Last evaluated 2016-09-08.

Conditions:
Hereditary breast ovarian cancer syndrome. Also called: Hereditary breast and ovarian cancer syndrome; Hereditary breast and ovarian cancer; Hereditary breast and ovarian cancer syndrome (HBOC); Breast and ovarian cancer; Hereditary breast and/or ovarian cancer syndrome; BRCA1- and BRCA2-Associated Hereditary Breast and Ovarian Cancer. Identifiers: Orphanet 145, MedGen C0677776, MeSH D061325, MONDO:0003582. Disease mechanism: loss of function.
Hereditary cancer-predisposing syndrome. Also called: Neoplastic Syndromes, Hereditary; Tumor predisposition; Hereditary Cancer Syndrome; Hereditary neoplastic syndrome. Identifiers: Orphanet 140162, MedGen C0027672, MeSH D009386, MONDO:0015356.
Breast-ovarian cancer, familial, susceptibility to, 2 (BROVCA2). Also called: BRCA2 Hereditary Breast and Ovarian Cancer. Identifiers: Orphanet 145, MedGen C2675520, MONDO:0012933, OMIM 612555. Disease mechanism: loss of function.

Submissions (6):

Evidence-based Network for the Interpretation of Germline Mutant Alleles (ENIGMA)
Classification: Pathogenic for Breast-ovarian cancer, familial, susceptibility to, 2. Last evaluated: 2016-09-08. Review status: reviewed by expert panel. Criteria: ENIGMA BRCA1/2 Classification Criteria (2015). Collection method: curation. Allele origin: germline.
Comment: Variant allele predicted to encode a truncated non-functional protein.

Ambry Genetics
Classification: Pathogenic for Hereditary cancer-predisposing syndrome. Last evaluated: 2024-11-26. Review status: criteria provided, single submitter. Criteria: Ambry Variant Classification Scheme 2023. Collection method: clinical testing. Allele origin: germline. Not counted in ClinVar's aggregate classification.
Comment: The c.2812_2815delGCAA pathogenic mutation, located in coding exon 10 of the BRCA2 gene, results from a deletion of 4 nucleotides at nucleotide positions 2812 to 2815, causing a translational frameshift with a predicted alternate stop codon (p.A938Pfs*21). Of note, this alteration is also designated as c.3040_3043delGCAA, c.3040_3043del4 and c.2812delGCAA in published literature. This variant is considered to be rare based on population cohorts in the Genome Aggregation Database (gnomAD). In addition to the clinical data presented in the literature, this alteration is expected to result in loss of function by premature protein truncation or nonsense-mediated mRNA decay. As such, this alteration is interpreted as a disease-causing mutation.

Labcorp Genetics (formerly Invitae), Labcorp
Classification: Pathogenic for Hereditary breast ovarian cancer syndrome. Last evaluated: 2023-12-08. Review status: criteria provided, single submitter. Criteria: Invitae Variant Classification Sherloc (09022015). Collection method: clinical testing. Allele origin: germline. Not counted in ClinVar's aggregate classification.
Comment: This sequence change creates a premature translational stop signal (p.Ala938Profs*21) in the BRCA2 gene. It is expected to result in an absent or disrupted protein product. Loss-of-function variants in BRCA2 are known to be pathogenic (PMID: 20104584). This variant is not present in population databases (gnomAD no frequency). This premature translational stop signal has been observed in individual(s) with BRCA2-related conditions (PMID: 26360800). This variant is also known as c.2812delGCAA. ClinVar contains an entry for this variant (Variation ID: 51352). For these reasons, this variant has been classified as Pathogenic.

Consortium of Investigators of Modifiers of BRCA1/2 (CIMBA), c/o University of Cambridge
Classification: Pathogenic for Breast-ovarian cancer, familial, susceptibility to, 2. Last evaluated: 2015-10-02. Review status: criteria provided, single submitter. Criteria: CIMBA Mutation Classification guidelines May 2016. Collection method: clinical testing. Allele origin: germline. Not counted in ClinVar's aggregate classification.

Sharing Clinical Reports Project (SCRP)
Classification: Pathogenic for Breast-ovarian cancer, familial 2. Last evaluated: 2012-05-01. Review status: no assertion criteria provided. Collection method: clinical testing. Allele origin: germline. Not counted in ClinVar's aggregate classification.

Breast Cancer Information Core (BIC) (BRCA2)
Classification: Pathogenic for Breast-ovarian cancer, familial 2. Last evaluated: 2003-12-23. Review status: no assertion criteria provided. Collection method: clinical testing. Allele origin: germline. Affected: yes. Observed: 1 variant allele. Not counted in ClinVar's aggregate classification.

Literature cited by the submitters: PubMed 17972177 (cited by Ambry Genetics); PubMed 26360800 (cited by Ambry Genetics and Labcorp Genetics (formerly Invitae), Labcorp); PubMed 20104584 (cited by Labcorp Genetics (formerly Invitae), Labcorp).

NM_000059.4(BRCA2):c.2812_2815del (p.Ala938fs)

Gene: BRCA2 (BRCA2 DNA repair associated; plus strand). Cytogenetic location: 13q13.1.
Variant type: Deletion.
Coding change: c.2812_2815del on transcript NM_000059.4 (MANE Select); coding-DNA positions 2812 to 2815, 4 bases deleted (GCAA; older notation c.2812_2815delGCAA).
Protein change: p.Ala938fs; shifts the reading frame from alanine 938.
Molecular consequence: frameshift variant.
Genome position (GRCh38, 1-based): chr13:32,337,167-32,337,170, GCAA deleted; deleting any 4 consecutive bases within chr13:32,337,164-32,337,170 gives the same sequence; the c. name uses the placement nearest the transcript's 3' end. VCF-style (leftmost placement, unchanged base first): chr13-32337163-ACAAG-A. GRCh37 (hg19) VCF-style: chr13-32911300-ACAAG-A.
Other names: 3040del4; c.2812_2815delGCAA (NM_000059.3).
Identifiers: ClinVar variation 51352 (VCV000051352.10), dbSNP rs80359354, ClinGen allele CA016474.